The following is an entry in ClinVar:

ClinVar aggregate classification (germline): Uncertain significance. Review status: criteria provided, multiple submitters, no conflicts (2 of 4 stars). 3 submissions from 3 submitters: Uncertain significance (3). Last evaluated 2026-07-06.

Conditions:
Hereditary cancer-predisposing syndrome. Also called: Tumor predisposition; Hereditary neoplastic syndrome; Neoplastic Syndromes, Hereditary; Hereditary Cancer Syndrome. Identifiers: Orphanet 140162, MedGen C0027672, MeSH D009386, MONDO:0015356.
Birt-Hogg-Dube syndrome. Also called: Birt Hogg Dubé syndrome. Identifiers: Orphanet 122, MedGen C0346010, MONDO:0800444.

Submissions (3):

Ambry Genetics
Classification: Uncertain significance for Hereditary cancer-predisposing syndrome. Last evaluated: 2026-07-06. Review status: criteria provided, single submitter. Criteria: Ambry Variant Classification Scheme 2023. Collection method: clinical testing. Allele origin: germline.
Comment: The p.K78N variant (also known as c.234G>T), located in coding exon 1 of the FLCN gene, results from a G to T substitution at nucleotide position 234. The lysine at codon 78 is replaced by asparagine, an amino acid with similar properties. This amino acid position is conserved. In addition, the in silico prediction for this alteration is inconclusive. Based on the available evidence, the clinical significance of this variant remains unclear.

Labcorp Genetics (formerly Invitae), Labcorp
Classification: Uncertain significance for Birt-Hogg-Dube syndrome. Last evaluated: 2024-12-06. Review status: criteria provided, single submitter. Criteria: Invitae Variant Classification Sherloc (09022015). Collection method: clinical testing. Allele origin: germline.
Comment: This sequence change replaces lysine, which is basic and polar, with asparagine, which is neutral and polar, at codon 78 of the FLCN protein (p.Lys78Asn). This variant is not present in population databases (gnomAD no frequency). This variant has not been reported in the literature in individuals affected with FLCN-related conditions. ClinVar contains an entry for this variant (Variation ID: 1706402). Invitae Evidence Modeling of protein sequence and biophysical properties (such as structural, functional, and spatial information, amino acid conservation, physicochemical variation, residue mobility, and thermodynamic stability) indicates that this missense variant is not expected to disrupt FLCN protein function with a negative predictive value of 80%. In summary, the available evidence is currently insufficient to determine the role of this variant in disease. Therefore, it has been classified as a Variant of Uncertain Significance.

GeneDx
Classification: Uncertain significance. Last evaluated: 2022-03-17. Review status: criteria provided, single submitter. Criteria: GeneDx Variant Classification Process June 2021. Collection method: clinical testing. Allele origin: germline. Affected: yes.
Comment: Not observed at significant frequency in large population cohorts (gnomAD); In silico analysis supports that this missense variant does not alter protein structure/function; Has not been previously published as pathogenic or benign to our knowledge

NM_144997.7(FLCN):c.234G>T (p.Lys78Asn)

Gene: FLCN (folliculin; minus strand). Cytogenetic location: 17p11.2.
Variant type: single nucleotide variant.
Coding change: c.234G>T on transcript NM_144997.7 (MANE Select); coding-DNA position 234, G replaced by T.
Protein change: p.Lys78Asn; replaces lysine 78 with asparagine.
Molecular consequence: missense variant.
Genome position (GRCh38, 1-based): chr17:17,227,904, C>A on the plus strand (G>T on the coding strand, the complement: FLCN is on the minus strand). VCF-style: chr17-17227904-C-A. GRCh37 (hg19) VCF-style: chr17-17131218-C-A.
Other names: c.234G>T, p.Lys78Asn (NM_001353229.2, NM_001353230.2, NM_001353231.2 and 1 more transcripts); short protein forms K78N.
Identifiers: ClinVar variation 1706402 (VCV001706402.6), dbSNP rs2047302304, ClinGen allele CA398535043.
Genomic context (GRCh38, chr17:17,227,904, plus strand): 5'-CACCTACTGCAGGGATCACAAAACCAAGACCCCAAAGACACTTGCCTCGCACATGTCCGA[C>A]TTTTTGGGCCCCGGGCTGCTGGACTCGACGCTGGCCCCCTCTGCGGGGCTGTGCGCACGC-3'
Protein context (NP_659434.2, residues 68-88): SVESSSPGPK[Lys78Asn]SDMCEGCRSL